The following is an entry in ClinVar:

NM_012338.4(TSPAN12):c.765G>T (p.Pro255=)

Gene: TSPAN12 (tetraspanin 12; minus strand). Cytogenetic location: 7q31.31.
Variant type: single nucleotide variant.
Coding change: c.765G>T on transcript NM_012338.4 (MANE Select); coding-DNA position 765, G replaced by T.
Protein change: p.Pro255=; no amino-acid change (proline 255 retained).
Molecular consequence: synonymous variant.
Genome position (GRCh38, 1-based): chr7:120,788,745, C>A on the plus strand (G>T on the coding strand, the complement: TSPAN12 is on the minus strand). VCF-style: chr7-120788745-C-A. GRCh37 (hg19) VCF-style: chr7-120428799-C-A.
Identifiers: ClinVar variation 260253 (VCV000260253.25), dbSNP rs41623, ClinGen allele CA4453808.

ClinVar aggregate classification (germline): Benign. Review status: criteria provided, multiple submitters, no conflicts (2 of 4 stars). 9 submissions from 9 submitters: Benign (7). 2 of the submissions do not count toward it. Last evaluated 2026-02-04.

Conditions:
Exudative vitreoretinopathy 5 (EVR5). Identifiers: Orphanet 891, MedGen C2750079, MONDO:0013218, OMIM 613310.

Allele frequency attached by ClinVar (database versions not stated): gnomAD 0.76026; ESP Exome Variant Server 0.77364; TOPMed 0.79359; ExAC 0.80321; 1000 Genomes Project 0.85144; 1000 Genomes Project 30x 0.85462.
gnomAD v4.1: 1,238,104 of 1,613,870 alleles (77%); highest among the groups gnomAD compares: East Asian, 97%; 478,048 homozygotes.

Submissions (9):

Labcorp Genetics (formerly Invitae), Labcorp
Classification: Benign. Last evaluated: 2026-02-04. Review status: criteria provided, single submitter. Criteria: Invitae Variant Classification Sherloc (09022015). Collection method: clinical testing. Allele origin: germline.

Blueprint Genetics
Classification: Benign. Last evaluated: 2024-11-27. Review status: criteria provided, single submitter. Criteria: ACMG Guidelines, 2015. Collection method: clinical testing. Allele origin: germline.

Genome-Nilou Lab
Classification: Benign for Exudative vitreoretinopathy 5. Last evaluated: 2021-09-10. Review status: criteria provided, single submitter. Criteria: ACMG Guidelines, 2015. Collection method: clinical testing. Allele origin: germline. Affected: no.

Illumina Laboratory Services, Illumina
Classification: Benign for Exudative vitreoretinopathy 5. Last evaluated: 2018-01-13. Review status: criteria provided, single submitter. Criteria: ICSL Variant Classification Criteria 13 December 2019. Collection method: clinical testing. Allele origin: germline.
Comment: This variant was observed in the ICSL laboratory as part of a predisposition screen in an ostensibly healthy population. It had not been previously curated by ICSL or reported in the Human Gene Mutation Database (HGMD: prior to June 1st, 2018), and was therefore a candidate for classification through an automated scoring system. Utilizing variant allele frequency, disease prevalence and penetrance estimates, and inheritance mode, an automated score was calculated to assess if this variant is too frequent to cause the disease. Based on the score and internal cut-off values, a variant classified as benign is not then subjected to further curation. The score for this variant resulted in a classification of benign for this disease.

GeneDx
Classification: Benign. Last evaluated: 2015-03-03. Review status: criteria provided, single submitter. Criteria: GeneDx Variant Classification Process June 2021. Collection method: clinical testing. Allele origin: germline. Affected: yes.
Comment: This variant is associated with the following publications: (PMID: 30747064)

Breakthrough Genomics
Classification: Benign. Review status: criteria provided, single submitter. Criteria: ACMG Guidelines, 2015. Collection method: not provided. Allele origin: germline. Inheritance: Autosomal dominant inheritance. Affected: yes.

PreventionGenetics, part of Exact Sciences
Classification: Benign. Review status: criteria provided, single submitter. Criteria: ACMG Guidelines, 2015. Collection method: clinical testing. Allele origin: germline.

Diagnostic Laboratory, Department of Genetics, University Medical Center Groningen
Classification: Benign. Review status: no assertion criteria provided. Collection method: clinical testing. Allele origin: germline. Affected: yes. Study: VKGL Data-share Consensus. Not counted in ClinVar's aggregate classification.

Joint Genome Diagnostic Labs from Nijmegen and Maastricht, Radboudumc and MUMC+
Classification: Benign. Review status: no assertion criteria provided. Collection method: clinical testing. Allele origin: germline. Affected: yes. Study: VKGL Data-share Consensus. Not counted in ClinVar's aggregate classification.